The following is an entry in ClinVar:

ClinVar aggregate classification (germline): Uncertain significance (1 of 4 stars; one submission).

Conditions:
Progressive myoclonic epilepsy type 3. Also called: EPILEPSY, PROGRESSIVE MYOCLONIC, 3, WITH OR WITHOUT INTRACELLULAR INCLUSIONS; CEROID LIPOFUSCINOSIS, NEURONAL, 14; EPILEPSY, PROGRESSIVE MYOCLONIC, 3, WITHOUT INTRACELLULAR INCLUSIONS; KCTD7-Related Progressive Myoclonic Epilepsy. Identifiers: Orphanet 263516, MedGen C2673257, MONDO:0012721, OMIM 611726.

Allele frequency attached by ClinVar (database versions not stated): TOPMed 0.00001.
gnomAD v4.1: 6 of 1,614,166 alleles (0.00037%); highest among the groups gnomAD compares: Non-Finnish European, 0.00051%; no homozygotes.

Submission:

Labcorp Genetics (formerly Invitae), Labcorp
Classification: Uncertain significance for Progressive myoclonic epilepsy type 3. Last evaluated: 2021-08-28. Review status: criteria provided, single submitter. Criteria: Invitae Variant Classification Sherloc (09022015). Collection method: clinical testing. Allele origin: germline.
Comment: This sequence change replaces threonine with asparagine at codon 258 of the KCTD7 protein (p.Thr258Asn). The threonine residue is moderately conserved and there is a small physicochemical difference between threonine and asparagine. This variant is not present in population databases (ExAC no frequency). This variant has not been reported in the literature in individuals affected with KCTD7-related conditions. Algorithms developed to predict the effect of missense changes on protein structure and function (SIFT, PolyPhen-2, Align-GVGD) all suggest that this variant is likely to be tolerated. In summary, the available evidence is currently insufficient to determine the role of this variant in disease. Therefore, it has been classified as a Variant of Uncertain Significance.

NM_153033.5(KCTD7):c.773C>A (p.Thr258Asn)

Gene: KCTD7 (potassium channel tetramerization domain containing 7; plus strand). Cytogenetic location: 7q11.21.
Variant type: single nucleotide variant.
Coding change: c.773C>A on transcript NM_153033.5 (MANE Select); coding-DNA position 773, C replaced by A.
Protein change: p.Thr258Asn; replaces threonine 258 with asparagine.
Molecular consequence: missense variant.
Genome position (GRCh38, 1-based): chr7:66,639,135, C>A. VCF-style: chr7-66639135-C-A. GRCh37 (hg19) VCF-style: chr7-66104122-C-A.
Other names: c.773C>A, p.Thr258Asn (NM_001167961.2); short protein forms T258N.
Identifiers: ClinVar variation 956498 (VCV000956498.7), dbSNP rs1786653994, ClinGen allele CA367697535.